The following is an entry in ClinVar:

ClinVar aggregate classification (germline): Benign/Likely benign. Review status: criteria provided, multiple submitters, no conflicts (2 of 4 stars). 7 submissions from 5 submitters: Benign (6); Likely benign (1). Last evaluated 2026-02-04.

Conditions:
Congenital factor V deficiency. Also called: Hereditary factor V deficiency disease; LABILE FACTOR DEFICIENCY; PARAHEMOPHILIA; OWREN PARAHEMOPHILIA. Identifiers: Orphanet 326, MedGen C0015499, MONDO:0009210, OMIM 227400.
Factor V deficiency. Also called: Reduced coagulation factor V activity. Identifiers: Orphanet 326, MedGen C4317320, MONDO:0020586, HP:0003225.
Thrombophilia due to thrombin defect (THPH1). Also called: Thrombosis susceptibility; THROMBOPHILIA DUE TO FACTOR 2 DEFECT; Prothrombin-Related Thrombophilia (Factor II); Prothrombin Thrombophilia. Identifiers: MedGen C3160733, MONDO:0008559, OMIM 188050. Disease mechanism: gain of function, loss of function.
Budd-Chiari syndrome (BDCHS). Also called: Hepatic vein obstruction. Identifiers: Orphanet 131, MedGen C0856761, MONDO:0010947, OMIM 600880, HP:0002639.

Allele frequency attached by ClinVar (database versions not stated): ESP Exome Variant Server 0.00723; gnomAD 0.03498 and 0.04678; gnomAD exomes 0.03797 and 0.09545; TOPMed 0.04648; ExAC 0.08983; 1000 Genomes Project 30x 0.16131; 1000 Genomes Project 0.17232.
gnomAD v4.1: 63,885 of 1,612,520 alleles (4%); highest among the groups gnomAD compares: East Asian, 61%; 10,768 homozygotes.

Submissions (7):

Labcorp Genetics (formerly Invitae), Labcorp
Classification: Benign for Congenital factor V deficiency. Last evaluated: 2026-02-04. Review status: criteria provided, single submitter. Criteria: Invitae Variant Classification Sherloc (09022015). Collection method: clinical testing. Allele origin: germline.

Mayo Clinic Laboratories, Mayo Clinic
Classification: Benign. Last evaluated: 2022-01-13. Review status: criteria provided, single submitter. Criteria: ACMG Guidelines, 2015. Collection method: clinical testing. Allele origin: germline. Observed: 16 variant alleles.

GeneDx
Classification: Benign. Last evaluated: 2018-11-10. Review status: criteria provided, single submitter. Criteria: GeneDx Variant Classification Process June 2021. Collection method: clinical testing. Allele origin: germline. Affected: yes.

Illumina Laboratory Services, Illumina
Classification: Benign for Budd-Chiari syndrome. Last evaluated: 2018-01-12. Review status: criteria provided, single submitter. Criteria: ICSL Variant Classification Criteria 13 December 2019. Collection method: clinical testing. Allele origin: germline.
Comment: This variant was observed in the ICSL laboratory as part of a predisposition screen in an ostensibly healthy population. It had not been previously curated by ICSL or reported in the Human Gene Mutation Database (HGMD: prior to June 1st, 2018), and was therefore a candidate for classification through an automated scoring system. Utilizing variant allele frequency, disease prevalence and penetrance estimates, and inheritance mode, an automated score was calculated to assess if this variant is too frequent to cause the disease. Based on the score and internal cut-off values, a variant classified as benign is not then subjected to further curation. The score for this variant resulted in a classification of benign for this disease.

Illumina Laboratory Services, Illumina
Classification: Benign for Venous thrombosis. Last evaluated: 2018-01-12. Review status: criteria provided, single submitter. Criteria: ICSL Variant Classification Criteria 13 December 2019. Collection method: clinical testing. Allele origin: germline.
Comment: the same text as in the submission from Illumina Laboratory Services, Illumina above.

Illumina Laboratory Services, Illumina
Classification: Benign for Congenital factor V deficiency. Last evaluated: 2018-01-12. Review status: criteria provided, single submitter. Criteria: ICSL Variant Classification Criteria 13 December 2019. Collection method: clinical testing. Allele origin: germline.
Comment: the same text as in the submission from Illumina Laboratory Services, Illumina above.

Breakthrough Genomics
Classification: Likely benign. Review status: criteria provided, single submitter. Criteria: ACMG Guidelines, 2015. Collection method: not provided. Allele origin: germline. Inheritance: Autosomal recessive inheritance. Affected: yes.

NM_000130.5(F5):c.4189C>T (p.Leu1397Phe)

Gene: F5 (coagulation factor V; minus strand). Cytogenetic location: 1q24.2.
Variant type: single nucleotide variant.
Coding change: c.4189C>T on transcript NM_000130.5 (MANE Select); coding-DNA position 4189, C replaced by T.
Protein change: p.Leu1397Phe; replaces leucine 1397 with phenylalanine.
Molecular consequence: missense variant.
Genome position (GRCh38, 1-based): chr1:169,540,901, G>A on the plus strand (C>T on the coding strand, the complement: F5 is on the minus strand). VCF-style: chr1-169540901-G-A. GRCh37 (hg19) VCF-style: chr1-169510139-G-A.
Other names: short protein forms L1397F.
Identifiers: ClinVar variation 293600 (VCV000293600.11), dbSNP rs13306334, ClinGen allele CA1233738.